The following is an entry in ClinVar:

NM_000257.4(MYH7):c.3535G>A (p.Glu1179Lys)

Gene: MYH7 (myosin heavy chain 7; minus strand). Cytogenetic location: 14q11.2.
Variant type: single nucleotide variant.
Coding change: c.3535G>A on transcript NM_000257.4 (MANE Select); coding-DNA position 3535, G replaced by A.
Protein change: p.Glu1179Lys; replaces glutamic acid 1179 with lysine.
Molecular consequence: missense variant.
Genome position (GRCh38, 1-based): chr14:23,420,036, C>T on the plus strand (G>A on the coding strand, the complement: MYH7 is on the minus strand). VCF-style: chr14-23420036-C-T. GRCh37 (hg19) VCF-style: chr14-23889245-C-T.
Other names: c.3535G>A, p.Glu1179Lys (NM_001407004.1); short protein forms E1179K.
Identifiers: ClinVar variation 4756121 (VCV004756121.3).

ClinVar aggregate classification (germline): Uncertain significance. Review status: criteria provided, multiple submitters, no conflicts (2 of 4 stars). 3 submissions from 3 submitters: Uncertain significance (3). Last evaluated 2026-03-02.

Conditions:
Hypertrophic cardiomyopathy. Also called: HYPERTROPHIC MYOCARDIOPATHY. Identifiers: Orphanet 217569, MedGen C0007194, MeSH D002312, MONDO:0005045, HP:0001639.
Cardiomyopathy (CMYO). Also called: Cardiomyopathies. Identifiers: Orphanet 167848, MedGen C0878544, MONDO:0004994, HP:0001638. Inheritance: Various modes of inheritance.
Cardiovascular phenotype. Identifiers: MedGen CN230736.

Submissions (3):

Ambry Genetics
Classification: Uncertain significance for Cardiovascular phenotype. Last evaluated: 2026-03-02. Review status: criteria provided, single submitter. Criteria: Ambry Variant Classification Scheme 2023. Collection method: clinical testing. Allele origin: germline.
Comment: The p.E1179K variant (also known as c.3535G>A), located in coding exon 25 of the MYH7 gene, results from a G to A substitution at nucleotide position 3535. The glutamic acid at codon 1179 is replaced by lysine, an amino acid with similar properties. This variant was reported in individual(s) with features consistent with cardiomyopathy (Rodr&iacute;guez-Garc&iacute;a MI et al. BMC Med Genet, 2010 Apr;11:67; Pugh TJ et al. Genet Med, 2014 Aug;16:601-8; Ambry internal data). This amino acid position is highly conserved in available vertebrate species. In addition, this alteration is predicted to be deleterious by in silico analysis. Based on the available evidence, the clinical significance of this variant remains unclear.

Labcorp Genetics (formerly Invitae), Labcorp
Classification: Uncertain significance for Hypertrophic cardiomyopathy. Last evaluated: 2026-01-18. Review status: criteria provided, single submitter. Criteria: Invitae Variant Classification Sherloc (09022015). Collection method: clinical testing. Allele origin: germline.
Comment: This sequence change replaces glutamic acid, which is acidic and polar, with lysine, which is basic and polar, at codon 1179 of the MYH7 protein (p.Glu1179Lys). This variant is not present in population databases (gnomAD no frequency). This variant has not been reported in the literature in individuals affected with MYH7-related conditions. Invitae Evidence Modeling of protein sequence and biophysical properties (such as structural, functional, and spatial information, amino acid conservation, physicochemical variation, residue mobility, and thermodynamic stability) indicates that this missense variant is expected to disrupt MYH7 protein function with a positive predictive value of 95%. In summary, the available evidence is currently insufficient to determine the role of this variant in disease. Therefore, it has been classified as a Variant of Uncertain Significance.

Color Diagnostics, LLC DBA Color Health
Classification: Uncertain significance for Cardiomyopathy. Last evaluated: 2024-03-07. Review status: criteria provided, single submitter. Criteria: ACMG Guidelines, 2015. Collection method: clinical testing. Allele origin: germline.
Comment: This missense variant replaces glutamic acid with lysine at codon 1179 of the MYH7 protein. Computational prediction tool suggests that this variant may have deleterious impact on protein structure and function. Splice site prediction tools suggest that this variant may not impact RNA splicing. To our knowledge, functional studies have not been performed for this variant. This variant has not been reported in individuals affected with cardiovascular disorders in the literature. This variant has not been identified in the general population by the Genome Aggregation Database (gnomAD). The available evidence is insufficient to determine the role of this variant in disease conclusively. Therefore, this variant is classified as a Variant of Uncertain Significance.

Literature cited by the submitters: PubMed 20433692 (cited by Ambry Genetics); PubMed 24503780 (cited by Ambry Genetics).